The following is an entry in ClinVar:

NM_001134363.3(RBM20):c.3144C>T (p.Ser1048=)

Gene: RBM20 (RNA binding motif protein 20; plus strand). Cytogenetic location: 10q25.2.
Variant type: single nucleotide variant.
Coding change: c.3144C>T on transcript NM_001134363.3 (MANE Select); coding-DNA position 3144, C replaced by T.
Protein change: p.Ser1048=; no amino-acid change (serine 1048 retained).
Molecular consequence: synonymous variant.
Genome position (GRCh38, 1-based): chr10:110,821,763, C>T. VCF-style: chr10-110821763-C-T. GRCh37 (hg19) VCF-style: chr10-112581521-C-T.
Other names: p.S1048S:TCC>TCT; p.Ser1048=.
Identifiers: ClinVar variation 44003 (VCV000044003.35), dbSNP rs75858380, ClinGen allele CA133353.
Genomic context (GRCh38, chr10:110,821,763, plus strand): 5'-GGCAAAGGGAGTGGAGAGCTCAGATGTTCATCCAGCCCCTACAGTCCAGCAAATGTCTTC[C>T]CCTAAGCCAGCAGAGGAGAGGGCCCGGCAGCCAAGCCCATTTGTGGATGATTGCAAGACC-3'
Protein context (NP_001127835.2, residues 1038-1058): HPAPTVQQMS[Ser1048=]PKPAEERARQ

ClinVar aggregate classification (germline): Benign/Likely benign. Review status: criteria provided, multiple submitters, no conflicts (2 of 4 stars). 15 submissions from 15 submitters: Benign (9); Likely benign (2). 4 of the submissions do not count toward it. Last evaluated 2026-02-03.

Conditions:
Dilated cardiomyopathy 1DD (CMD1DD). Identifiers: Orphanet 154, MedGen C2750995, MONDO:0013168, OMIM 613172.
Cardiovascular phenotype. Identifiers: MedGen CN230736.
Cardiomyopathy (CMYO). Also called: Cardiomyopathies. Identifiers: Orphanet 167848, MedGen C0878544, MONDO:0004994, HP:0001638. Inheritance: Various modes of inheritance.

Allele frequency attached by ClinVar (database versions not stated): gnomAD exomes 0.00150 and 0.00327; ExAC 0.00565; ESP Exome Variant Server 0.01270; gnomAD 0.01474 and 0.01586; TOPMed 0.01647; 1000 Genomes Project 0.01817; 1000 Genomes Project 30x 0.01952.
gnomAD v4.1: 4,449 of 1,551,772 alleles (0.29%); highest among the groups gnomAD compares: African/African-American, 5.4%; 128 homozygotes.

Submissions (15):

Labcorp Genetics (formerly Invitae), Labcorp
Classification: Benign for Dilated cardiomyopathy 1DD. Last evaluated: 2026-02-03. Review status: criteria provided, single submitter. Criteria: Invitae Variant Classification Sherloc (09022015). Collection method: clinical testing. Allele origin: germline.

Molecular Diagnostic Laboratory for Inherited Cardiovascular Disease, Montreal Heart Institute
Classification: Benign. Last evaluated: 2025-04-09. Review status: criteria provided, single submitter. Criteria: ACMG Guidelines, 2015. Collection method: clinical testing. Allele origin: germline. Affected: no.

ARUP Laboratories, Molecular Genetics and Genomics, ARUP Laboratories
Classification: Benign for Dilated cardiomyopathy 1DD. Last evaluated: 2023-11-22. Review status: criteria provided, single submitter. Criteria: ARUP Molecular Germline Variant Investigation Process 2024. Collection method: clinical testing. Allele origin: germline.

CHEO Genetics Diagnostic Laboratory, Children's Hospital of Eastern Ontario
Classification: Benign for Cardiomyopathy. Last evaluated: 2023-01-27. Review status: criteria provided, single submitter. Criteria: ACMG Guidelines, 2015. Collection method: clinical testing. Allele origin: germline. Study: Canadian Open Genetics Repository.

Women's Health and Genetics/Laboratory Corporation of America, LabCorp
Classification: Benign. Last evaluated: 2019-10-28. Review status: criteria provided, single submitter. Criteria: LabCorp Variant Classification Summary - May 2015. Collection method: clinical testing. Allele origin: germline.

Illumina Laboratory Services, Illumina
Classification: Likely benign for Dilated cardiomyopathy 1DD. Last evaluated: 2018-01-13. Review status: criteria provided, single submitter. Criteria: ICSL Variant Classification Criteria 13 December 2019. Collection method: clinical testing. Allele origin: germline.
Comment: This variant was observed in the ICSL laboratory as part of a predisposition screen in an ostensibly healthy population. It had not been previously curated by ICSL or reported in the Human Gene Mutation Database (HGMD: prior to June 1st, 2018), and was therefore a candidate for classification through an automated scoring system. Utilizing variant allele frequency, disease prevalence and penetrance estimates, and inheritance mode, an automated score was calculated to assess if this variant is too frequent to cause the disease. Based on the score and internal cut-off values, a variant classified as likely benign is not then subjected to further curation. The score for this variant resulted in a classification of likely benign for this disease.

Mayo Clinic Laboratories, Mayo Clinic
Classification: Benign. Last evaluated: 2016-08-29. Review status: criteria provided, single submitter. Criteria: ACMG Guidelines, 2015. Collection method: clinical testing. Allele origin: germline. Observed: 20 variant alleles.

Ambry Genetics
Classification: Benign for Cardiovascular phenotype. Last evaluated: 2015-06-25. Review status: criteria provided, single submitter. Criteria: Ambry Variant Classification Scheme 2023. Collection method: clinical testing. Allele origin: germline.

GeneDx
Classification: Benign. Last evaluated: 2014-04-29. Review status: criteria provided, single submitter. Criteria: GeneDx Variant Classification (06012015). Collection method: clinical testing. Allele origin: germline. Affected: yes.
Comment: This variant is considered likely benign or benign based on one or more of the following criteria: it is a conservative change, it occurs at a poorly conserved position in the protein, it is predicted to be benign by multiple in silico algorithms, and/or has population frequency not consistent with disease.

Laboratory for Molecular Medicine, Mass General Brigham Personalized Medicine
Classification: Benign. Last evaluated: 2012-04-24. Review status: criteria provided, single submitter. Criteria: LMM Criteria. Collection method: clinical testing. Allele origin: germline. Observed: 33 variant alleles.
Comment: Ser1048Ser in exon 11 of RMB20: This variant is not expected to have clinical si gnificance because it does not alter an amino acid residue and is not located wi thin the splice consensus sequence. It has been identified in 4.2% (30/702) of a FRICAN American chromosomes from a broad population by the NHLBI Exome Sequencin g Project (rs75858380).

Breakthrough Genomics
Classification: Likely benign. Review status: criteria provided, single submitter. Criteria: ACMG Guidelines, 2015. Collection method: not provided. Allele origin: germline. Inheritance: Autosomal dominant inheritance. Affected: yes.

Clinical Genetics DNA and cytogenetics Diagnostics Lab, Erasmus MC, Erasmus Medical Center
Classification: Benign. Review status: no assertion criteria provided. Collection method: clinical testing. Allele origin: germline. Affected: yes. Study: VKGL Data-share Consensus. Not counted in ClinVar's aggregate classification.

Clinical Genetics, Academic Medical Center
Classification: Benign. Review status: no assertion criteria provided. Collection method: clinical testing. Allele origin: germline. Affected: yes. Study: VKGL Data-share Consensus. Not counted in ClinVar's aggregate classification.

Diagnostic Laboratory, Department of Genetics, University Medical Center Groningen
Classification: Likely benign for Dilated cardiomyopathy 1DD. Review status: no assertion criteria provided. Collection method: clinical testing. Allele origin: germline. Affected: yes. Study: VKGL Data-share Consensus. Not counted in ClinVar's aggregate classification.

Joint Genome Diagnostic Labs from Nijmegen and Maastricht, Radboudumc and MUMC+
Classification: Benign. Review status: no assertion criteria provided. Collection method: clinical testing. Allele origin: germline. Affected: yes. Study: VKGL Data-share Consensus. Not counted in ClinVar's aggregate classification.